The following is an entry in ClinVar:

NM_033026.6(PCLO):c.8099C>T (p.Pro2700Leu)

Gene: PCLO (piccolo presynaptic cytomatrix protein; minus strand). Cytogenetic location: 7q21.11.
Variant type: single nucleotide variant.
Coding change: c.8099C>T on transcript NM_033026.6 (MANE Select); coding-DNA position 8099, C replaced by T.
Protein change: p.Pro2700Leu; replaces proline 2700 with leucine.
Molecular consequence: missense variant.
Genome position (GRCh38, 1-based): chr7:82,952,854, G>A on the plus strand (C>T on the coding strand, the complement: PCLO is on the minus strand). VCF-style: chr7-82952854-G-A. GRCh37 (hg19) VCF-style: chr7-82582170-G-A.
Other names: c.8099C>T, p.Pro2700Leu (NM_014510.3); short protein forms P2700L.
Identifiers: ClinVar variation 1507847 (VCV001507847.8), dbSNP rs1476899714, ClinGen allele CA367912007.
Genomic context (GRCh38, chr7:82,952,854, plus strand): 5'-TTTCCATCTTCTTTATACTGAGGCTTCTCTAAATGTATGTTATCTAGAGCAAGAGGCTCT[G>A]GAGGAATTGTTATGGAAATGCTGCTGAGACCAACACTAGGAGCTGTACTTCTGGTTGCTG-3'
Protein context (NP_149015.2, residues 2690-2710): GLSSISITIP[Pro2700Leu]EPLALDNIHL

ClinVar aggregate classification (germline): Uncertain significance (1 of 4 stars; one submission).

Allele frequency attached by ClinVar (database versions not stated): TOPMed below 0.00001.

Submission:

Labcorp Genetics (formerly Invitae), Labcorp
Classification: Uncertain significance. Last evaluated: 2021-05-04. Review status: criteria provided, single submitter. Criteria: Invitae Variant Classification Sherloc (09022015). Collection method: clinical testing. Allele origin: germline.
Comment: This variant is not present in population databases (ExAC no frequency). This sequence change replaces proline with leucine at codon 2700 of the PCLO protein (p.Pro2700Leu). The proline residue is moderately conserved and there is a moderate physicochemical difference between proline and leucine. This variant has not been reported in the literature in individuals with PCLO-related conditions. In summary, the available evidence is currently insufficient to determine the role of this variant in disease. Therefore, it has been classified as a Variant of Uncertain Significance. Algorithms developed to predict the effect of missense changes on protein structure and function are either unavailable or do not agree on the potential impact of this missense change (SIFT: "Deleterious"; PolyPhen-2: "Not Available"; Align-GVGD: "Class C0").